The following is an entry in ClinVar:

NC_000001.10:g.(?_160011163)_(160111132_?)dup

Genes: KCNJ10 (potassium inwardly rectifying channel subfamily J member 10; minus strand), IGSF8 (immunoglobulin superfamily member 8; minus strand), KCNJ9 (potassium inwardly rectifying channel subfamily J member 9; plus strand), ATP1A2 (ATPase Na+/K+ transporting subunit alpha 2; plus strand). Cytogenetic location: 1q23.2.
Variant type: Duplication.
Identifiers: ClinVar variation 470189 (VCV000470189.9).

ClinVar aggregate classification (germline): Uncertain significance. Review status: criteria provided, single submitter (1 of 4 stars). 2 submissions from 1 submitter: Uncertain significance (2). Last evaluated 2018-08-20.

Conditions:
Familial hemiplegic migraine. Identifiers: MedGen C0338484, MONDO:0000700.
EAST syndrome (SESAMES). Also called: SEIZURES, SENSORINEURAL DEAFNESS, ATAXIA, IMPAIRED INTELLECTUAL DEVELOPMENT, AND ELECTROLYTE IMBALANCE. Identifiers: Orphanet 199343, MedGen C2748572, MONDO:0013005, OMIM 612780.

Submissions (2):

Labcorp Genetics (formerly Invitae), Labcorp
Classification: Uncertain significance for Familial hemiplegic migraine. Last evaluated: 2018-08-20. Review status: criteria provided, single submitter. Criteria: Invitae Variant Classification Sherloc (09022015). Collection method: clinical testing. Allele origin: germline.
Comment: A gross duplication of the genomic region encompassing the full coding sequence of the ATP1A2 gene has been identified. The boundaries of this event are unknown as the duplication extends beyond the assayed region for this gene and therefore may encompass additional genes. As the precise location of this duplication is unknown, it may be in tandem or it may be located elsewhere in the genome. This variant has not been reported in the literature in individuals with ATP1A2-related disease. In summary, the available evidence is currently insufficient to determine the role of this variant in disease. Therefore, it has been classified as a Variant of Uncertain Significance.

Labcorp Genetics (formerly Invitae), Labcorp
Classification: Uncertain significance for EAST syndrome. Last evaluated: 2018-08-20. Review status: criteria provided, single submitter. Criteria: Invitae Variant Classification Sherloc (09022015). Collection method: clinical testing. Allele origin: germline.
Comment: A gross duplication of the genomic region encompassing the full coding sequence of the KCNJ10 gene has been identified. The boundaries of this event are unknown as the duplication extends beyond the assayed region for this gene and therefore may encompass additional genes. As the precise location of this duplication is unknown, it may be in tandem or it may be located elsewhere in the genome. This variant has not been reported in the literature in individuals with KCNJ10-related disease. In summary, the available evidence is currently insufficient to determine the role of this variant in disease. Therefore, it has been classified as a Variant of Uncertain Significance.